The following is an entry in ClinVar:

NM_199242.3(UNC13D):c.2456C>T (p.Thr819Ile)

Gene: UNC13D (unc-13 homolog D; minus strand). Cytogenetic location: 17q25.1.
Variant type: single nucleotide variant.
Coding change: c.2456C>T on transcript NM_199242.3 (MANE Select); coding-DNA position 2456, C replaced by T.
Protein change: p.Thr819Ile; replaces threonine 819 with isoleucine.
Molecular consequence: missense variant.
Genome position (GRCh38, 1-based): chr17:75,831,340, G>A on the plus strand (C>T on the coding strand, the complement: UNC13D is on the minus strand). VCF-style: chr17-75831340-G-A. GRCh37 (hg19) VCF-style: chr17-73827421-G-A.
Other names: short protein forms T819I.
Identifiers: ClinVar variation 1897107 (VCV001897107.2), dbSNP rs752216934, ClinGen allele CA8772500.

ClinVar aggregate classification (germline): Uncertain significance (1 of 4 stars; one submission).

Conditions:
Familial hemophagocytic lymphohistiocytosis 3 (FHL3). Also called: UNC13D-Related Familial Hemophagocytic Lymphohistiocytosis (UNC13D-fHLH). Identifiers: Orphanet 540, MedGen C1837174, MONDO:0012146, OMIM 608898.

Allele frequency attached by ClinVar (database versions not stated): ExAC 0.00001; TOPMed 0.00001.
gnomAD v4.1: 2 of 1,603,962 alleles (0.00012%); highest among the groups gnomAD compares: Admixed American, 0.0033%; no homozygotes.

Submission:

Labcorp Genetics (formerly Invitae), Labcorp
Classification: Uncertain significance for Familial hemophagocytic lymphohistiocytosis 3. Last evaluated: 2022-03-25. Review status: criteria provided, single submitter. Criteria: Invitae Variant Classification Sherloc (09022015). Collection method: clinical testing. Allele origin: germline.
Comment: This sequence change replaces threonine, which is neutral and polar, with isoleucine, which is neutral and non-polar, at codon 819 of the UNC13D protein (p.Thr819Ile). This variant is present in population databases (rs752216934, gnomAD 0.006%). This variant has not been reported in the literature in individuals affected with UNC13D-related conditions. Algorithms developed to predict the effect of missense changes on protein structure and function are either unavailable or do not agree on the potential impact of this missense change (SIFT: "Not Available"; PolyPhen-2: "Possibly Damaging"; Align-GVGD: "Not Available"). In summary, the available evidence is currently insufficient to determine the role of this variant in disease. Therefore, it has been classified as a Variant of Uncertain Significance.